The following is an entry in ClinVar:

ClinVar aggregate classification (germline): Conflicting classifications of pathogenicity. Review status: criteria provided, conflicting classifications (1 of 4 stars). 5 submissions from 5 submitters: Uncertain significance (4); Likely benign (1). Last evaluated 2026-01-19.

Conditions:
Neutral lipid storage myopathy (NLSDM). Also called: NEUTRAL LIPID STORAGE DISEASE WITHOUT ICHTHYOSIS. Identifiers: Orphanet 98908, MedGen C1853136, MONDO:0012545, OMIM 610717.
Inborn genetic diseases. Identifiers: MedGen C0950123, MeSH D030342.

Allele frequency attached by ClinVar (database versions not stated): gnomAD exomes 0.00007; ExAC 0.00009; ESP Exome Variant Server 0.00009; gnomAD 0.00011; TOPMed 0.00014; 1000 Genomes Project 30x 0.00031.

Submissions (5):

Labcorp Genetics (formerly Invitae), Labcorp
Classification: Uncertain significance for Neutral lipid storage myopathy. Last evaluated: 2026-01-19. Review status: criteria provided, single submitter. Criteria: Invitae Variant Classification Sherloc (09022015). Collection method: clinical testing. Allele origin: germline.
Comment: This sequence change replaces alanine, which is neutral and non-polar, with threonine, which is neutral and polar, at codon 470 of the PNPLA2 protein (p.Ala470Thr). The frequency data for this variant in the population databases is considered unreliable, as metrics indicate poor data quality at this position in the gnomAD database. This variant has not been reported in the literature in individuals affected with PNPLA2-related conditions. ClinVar contains an entry for this variant (Variation ID: 579621). An algorithm developed to predict the effect of missense changes on protein structure and function outputs the following: PolyPhen-2: "Benign". The threonine amino acid residue is found in multiple mammalian species, which suggests that this missense change does not adversely affect protein function. In summary, the available evidence is currently insufficient to determine the role of this variant in disease. Therefore, it has been classified as a Variant of Uncertain Significance.

Blueprint Genetics
Classification: Likely benign. Last evaluated: 2024-11-22. Review status: criteria provided, single submitter. Criteria: ACMG Guidelines, 2015. Collection method: clinical testing. Allele origin: germline.

Revvity Omics, Revvity
Classification: Uncertain significance for Neutral lipid storage myopathy. Last evaluated: 2024-03-25. Review status: criteria provided, single submitter. Criteria: ACMG Guidelines, 2015. Collection method: clinical testing. Allele origin: germline.

Ambry Genetics
Classification: Uncertain significance for Inborn genetic diseases. Last evaluated: 2024-01-23. Review status: criteria provided, single submitter. Criteria: Ambry Variant Classification Scheme 2023. Collection method: clinical testing. Allele origin: germline.

GeneDx
Classification: Uncertain significance. Last evaluated: 2023-04-19. Review status: criteria provided, single submitter. Criteria: GeneDx Variant Classification Process June 2021. Collection method: clinical testing. Allele origin: germline. Affected: yes.
Comment: In silico analysis supports that this missense variant does not alter protein structure/function; Has not been previously published as pathogenic or benign to our knowledge; This variant is associated with the following publications: (PMID: 32041611)

NM_020376.4(PNPLA2):c.1408G>A (p.Ala470Thr)

Gene: PNPLA2 (patatin like domain 2, triacylglycerol lipase; plus strand). Cytogenetic location: 11p15.5.
Variant type: single nucleotide variant.
Coding change: c.1408G>A on transcript NM_020376.4 (MANE Select); coding-DNA position 1408, G replaced by A.
Protein change: p.Ala470Thr; replaces alanine 470 with threonine.
Molecular consequence: missense variant.
Genome position (GRCh38, 1-based): chr11:824,755, G>A. VCF-style: chr11-824755-G-A. GRCh37 (hg19) VCF-style: chr11-824755-G-A.
Other names: short protein forms A470T.
Identifiers: ClinVar variation 579621 (VCV000579621.12), dbSNP rs374358848, ClinGen allele CA5791400.